The following is an entry in ClinVar:

NM_031229.4(RBCK1):c.419C>T (p.Pro140Leu)

Gene: RBCK1 (RANBP2-type and C3HC4-type zinc finger containing 1; plus strand). Cytogenetic location: 20p13.
Variant type: single nucleotide variant.
Coding change: c.419C>T on transcript NM_031229.4 (MANE Select); coding-DNA position 419, C replaced by T.
Protein change: p.Pro140Leu; replaces proline 140 with leucine.
Molecular consequence: missense variant. On other transcripts: non-coding transcript variant (1).
Genome position (GRCh38, 1-based): chr20:417,889, C>T. VCF-style: chr20-417889-C-T. GRCh37 (hg19) VCF-style: chr20-398533-C-T.
Other names: c.70C>T, p.Leu24Phe (NM_001323956.2, NM_001323958.2); c.293C>T, p.Pro98Leu (NM_006462.6); short protein forms L24F, P98L, P140L.
Identifiers: ClinVar variation 1465226 (VCV001465226.8), dbSNP rs2122228193, ClinGen allele CA407950711.

ClinVar aggregate classification (germline): Uncertain significance (1 of 4 stars; one submission).

Conditions:
Polyglucosan body myopathy type 1 (PGBM1). Also called: POLYGLUCOSAN BODY MYOPATHY WITHOUT IMMUNODEFICIENCY; Polyglucosan body myopathy 1 with or without immunodeficiency. Identifiers: Orphanet 329173, Orphanet 397937, MedGen C4014605, MONDO:0014389, OMIM 615895.

Submission:

Labcorp Genetics (formerly Invitae), Labcorp
Classification: Uncertain significance for Polyglucosan body myopathy type 1. Last evaluated: 2021-06-30. Review status: criteria provided, single submitter. Criteria: Invitae Variant Classification Sherloc (09022015). Collection method: clinical testing. Allele origin: germline.
Comment: This variant has not been reported in the literature in individuals affected with RBCK1-related conditions. In summary, the available evidence is currently insufficient to determine the role of this variant in disease. Therefore, it has been classified as a Variant of Uncertain Significance. Algorithms developed to predict the effect of missense changes on protein structure and function are either unavailable or do not agree on the potential impact of this missense change (SIFT: "Not Available"; PolyPhen-2: "Benign"; Align-GVGD: "Not Available"). This variant is not present in population databases (ExAC no frequency). This sequence change replaces proline with leucine at codon 140 of the RBCK1 protein (p.Pro140Leu). The proline residue is highly conserved and there is a moderate physicochemical difference between proline and leucine.